The following is an entry in ClinVar:

NM_001199753.2(CPT1C):c.56C>T (p.Ala19Val)

Gene: CPT1C (carnitine palmitoyltransferase 1C; plus strand). Cytogenetic location: 19q13.33.
Variant type: single nucleotide variant.
Coding change: c.56C>T on transcript NM_001199753.2 (MANE Select); coding-DNA position 56, C replaced by T.
Protein change: p.Ala19Val; replaces alanine 19 with valine.
Molecular consequence: missense variant. On other transcripts: non-coding transcript variant (1).
Genome position (GRCh38, 1-based): chr19:49,692,308, C>T. VCF-style: chr19-49692308-C-T. GRCh37 (hg19) VCF-style: chr19-50195565-C-T.
Other names: c.56C>T, p.Ala19Val (NM_001136052.3, NM_001199752.3, NM_001378482.1 and 7 more transcripts); short protein forms A19V.
Identifiers: ClinVar variation 2073415 (VCV002073415.3), dbSNP rs201185943, ClinGen allele CA309499729.

ClinVar aggregate classification (germline): Uncertain significance (1 of 4 stars; one submission).

Conditions:
Hereditary spastic paraplegia 73. Also called: Spastic paraplegia 73, autosomal dominant. Identifiers: Orphanet 444099, MedGen C5568981, MONDO:0014568, OMIM 616282.

Allele frequency attached by ClinVar (database versions not stated): gnomAD 0.00001; TOPMed 0.00002.

Submission:

Labcorp Genetics (formerly Invitae), Labcorp
Classification: Uncertain significance for Hereditary spastic paraplegia 73. Last evaluated: 2025-03-17. Review status: criteria provided, single submitter. Criteria: Invitae Variant Classification Sherloc (09022015). Collection method: clinical testing. Allele origin: germline.
Comment: This sequence change replaces alanine, which is neutral and non-polar, with valine, which is neutral and non-polar, at codon 19 of the CPT1C protein (p.Ala19Val). This variant is present in population databases (rs201185943, gnomAD 0.004%). This variant has not been reported in the literature in individuals affected with CPT1C-related conditions. ClinVar contains an entry for this variant (Variation ID: 2073415). An algorithm developed to predict the effect of missense changes on protein structure and function outputs the following: PolyPhen-2: "Benign". The valine amino acid residue is found in multiple mammalian species, which suggests that this missense change does not adversely affect protein function. In summary, the available evidence is currently insufficient to determine the role of this variant in disease. Therefore, it has been classified as a Variant of Uncertain Significance.